The following is an entry in ClinVar:

ClinVar aggregate classification (germline): Benign (1 of 4 stars; one submission).

Submission:

GeneDx
Classification: Benign. Last evaluated: 2018-06-14. Review status: criteria provided, single submitter. Criteria: GeneDx Variant Classification (06012015). Collection method: clinical testing. Allele origin: germline. Affected: yes.
Comment: This variant is considered likely benign or benign based on one or more of the following criteria: it is a conservative change, it occurs at a poorly conserved position in the protein, it is predicted to be benign by multiple in silico algorithms, and/or has population frequency not consistent with disease.

NM_000069.2(CACNA1S):c.-476G>C

Gene: CACNA1S (calcium voltage-gated channel subunit alpha1 S; minus strand). Cytogenetic location: 1q32.1.
Variant type: single nucleotide variant.
Coding change: c.-476G>C on transcript NM_000069.2; 476 bases upstream of the start codon, G replaced by C.
Genome position (GRCh38, 1-based): chr1:201,112,815, C>G on the plus strand (G>C on the coding strand, the complement: CACNA1S is on the minus strand). VCF-style: chr1-201112815-C-G. GRCh37 (hg19) VCF-style: chr1-201081943-C-G.
Identifiers: ClinVar variation 672598 (VCV000672598.3), dbSNP rs2281845, ClinGen allele CA915941970.